The following is an entry in ClinVar:

ClinVar aggregate classification (germline): Likely benign (1 of 4 stars; one submission).

Allele frequency attached by ClinVar (database versions not stated): 1000 Genomes Project 30x 0.00016; ExAC 0.00105.
gnomAD v4.1: 212 of 1,535,260 alleles (0.014%); highest among the groups gnomAD compares: South Asian, 0.24%; 3 homozygotes.

Submission:

CeGaT Center for Human Genetics Tuebingen
Classification: Likely benign. Last evaluated: 2022-06-01. Review status: criteria provided, single submitter. Criteria: CeGaT Center For Human Genetics Tuebingen Variant Classification Criteria Version 2. Collection method: clinical testing. Allele origin: germline. Affected: yes. Observed: 1 variant allele.
Comment: TRIM64C: BP4, BP7

NM_001206631.1(TRIM64C):c.798G>T (p.Val266=)

Gene: TRIM64C (tripartite motif containing 64C; minus strand). Cytogenetic location: 11p11.12.
Variant type: single nucleotide variant.
Coding change: c.798G>T on transcript NM_001206631.1 (MANE Select); coding-DNA position 798, G replaced by T.
Protein change: p.Val266=; no amino-acid change (valine 266 retained).
Molecular consequence: synonymous variant.
Genome position (GRCh38, 1-based): chr11:49,055,371, C>A on the plus strand (G>T on the coding strand, the complement: TRIM64C is on the minus strand). VCF-style: chr11-49055371-C-A. GRCh37 (hg19) VCF-style: chr11-49076923-C-A.
Identifiers: ClinVar variation 2641778 (VCV002641778.24), dbSNP rs758372095, ClinGen allele CA5986376.
Genomic context (GRCh38, chr11:49,055,371, plus strand): 5'-TCTGAAGTTGTTGAGCATGTCTAGGACTCCAGTTATGCACCATGAAGTGAGCTCTGGGTT[C>A]ACTGGCTGGGGCTTTGGCATCTGTGCCAAATCAGTTCTGCAAAAAAAAAATGGCCTCAGT-3'
Protein context (NP_001193560.1, residues 256-276): DLAQMPKPQP[Val266=]NPELTSWCIT